The following is an entry in ClinVar:

NM_006277.3(ITSN2):c.1322G>A (p.Arg441Lys)

Gene: ITSN2 (intersectin 2; minus strand). Cytogenetic location: 2p23.3.
Variant type: single nucleotide variant.
Coding change: c.1322G>A on transcript NM_006277.3 (MANE Select); coding-DNA position 1322, G replaced by A.
Protein change: p.Arg441Lys; replaces arginine 441 with lysine.
Molecular consequence: missense variant.
Genome position (GRCh38, 1-based): chr2:24,299,931, C>T on the plus strand (G>A on the coding strand, the complement: ITSN2 is on the minus strand). VCF-style: chr2-24299931-C-T. GRCh37 (hg19) VCF-style: chr2-24522800-C-T.
Other names: c.1280G>A, p.Arg427Lys (NM_001348181.2, NM_001348184.2); c.1322G>A, p.Arg441Lys (NM_001348182.2, NM_001348183.2, NM_001348185.2 and 3 more transcripts); c.1322G>A (NM_006277.2); short protein forms R427K, R441K.
Identifiers: ClinVar variation 2047478 (VCV002047478.6), dbSNP rs61757119, ClinGen allele CA1551526.
Genomic context (GRCh38, chr2:24,299,931, plus strand): 5'-TAATGATTTTCTTAAGAAGTAAAAAACTTAAAAATAACCTCTCGTCTTTCTATGTCTTTT[C>T]TCCTTTCTTCCTCTCGTTGTCTCTCCAATTCCCGTTGCTTCTCTAAGCGTTTTTCTAATT-3'
Protein context (NP_006268.2, residues 431-451): ELERQREEER[Arg441Lys]KDIERREAAK

ClinVar aggregate classification (germline): Benign. Review status: criteria provided, single submitter (1 of 4 stars). 2 submissions from 2 submitters: Benign (1). 1 of the submissions does not count toward it. Last evaluated 2026-01-27.

Conditions:
ITSN2-related disorder. Also called: ITSN2-related condition.

Allele frequency attached by ClinVar (database versions not stated): 1000 Genomes Project 30x 0.00265; 1000 Genomes Project 0.00300; gnomAD 0.00639; TOPMed 0.00657; ExAC 0.00695; ESP Exome Variant Server 0.00815.
gnomAD v4.1: 14,989 of 1,608,746 alleles (0.93%); highest among the groups gnomAD compares: Non-Finnish European, 1.1%; 88 homozygotes.

Submissions (2):

Labcorp Genetics (formerly Invitae), Labcorp
Classification: Benign. Last evaluated: 2026-01-27. Review status: criteria provided, single submitter. Criteria: Invitae Variant Classification Sherloc (09022015). Collection method: clinical testing. Allele origin: germline.

PreventionGenetics, part of Exact Sciences
Classification: Benign for ITSN2-related condition. Last evaluated: 2019-03-13. Review status: no assertion criteria provided. Collection method: clinical testing. Allele origin: germline. Not counted in ClinVar's aggregate classification.
Comment: This variant is classified as benign based on ACMG/AMP sequence variant interpretation guidelines (Richards et al. 2015 PMID: 25741868, with internal and published modifications).